The following is an entry in ClinVar:

ClinVar aggregate classification (germline): Uncertain significance (1 of 4 stars; one submission).

gnomAD v4.1: 179 of 1,611,306 alleles (0.011%); highest among the groups gnomAD compares: Admixed American, 0.03%; no homozygotes.

Submission:

Labcorp Genetics (formerly Invitae), Labcorp
Classification: Uncertain significance. Last evaluated: 2025-12-11. Review status: criteria provided, single submitter. Criteria: Invitae Variant Classification Sherloc (09022015). Collection method: clinical testing. Allele origin: germline.
Comment: This sequence change replaces arginine, which is basic and polar, with histidine, which is basic and polar, at codon 225 of the SLIT2 protein (p.Arg225His). This variant is present in population databases (rs773390655, gnomAD 0.05%). This missense change has been observed in individual(s) with SLIT2-related conditions (PMID: 32164334). An algorithm developed to predict the effect of missense changes on protein structure and function (PolyPhen-2) suggests that this variant is likely to be disruptive. In summary, the available evidence is currently insufficient to determine the role of this variant in disease. Therefore, it has been classified as a Variant of Uncertain Significance.

Literature cited by the submitters: PubMed 32164334.

NM_004787.4(SLIT2):c.674G>A (p.Arg225His)

Gene: SLIT2 (slit guidance ligand 2; plus strand). Cytogenetic location: 4p15.31.
Variant type: single nucleotide variant.
Coding change: c.674G>A on transcript NM_004787.4 (MANE Select); coding-DNA position 674, G replaced by A.
Protein change: p.Arg225His; replaces arginine 225 with histidine.
Molecular consequence: missense variant.
Genome position (GRCh38, 1-based): chr4:20,488,881, G>A. VCF-style: chr4-20488881-G-A. GRCh37 (hg19) VCF-style: chr4-20490504-G-A.
Other names: c.674G>A, p.Arg225His (NM_001289135.3, NM_001289136.3); short protein forms R225H.
Identifiers: ClinVar variation 4803872 (VCV004803872.1).